The following is an entry in ClinVar:

NM_001111.5(ADAR):c.792T>G (p.Ser264Arg)

Gene: ADAR (adenosine deaminase RNA specific; minus strand). Cytogenetic location: 1q21.3.
Variant type: single nucleotide variant.
Coding change: c.792T>G on transcript NM_001111.5 (MANE Select); coding-DNA position 792, T replaced by G.
Protein change: p.Ser264Arg; replaces serine 264 with arginine.
Molecular consequence: missense variant. On other transcripts: 5 prime UTR variant (6).
Genome position (GRCh38, 1-based): chr1:154,601,850, A>C on the plus strand (T>G on the coding strand, the complement: ADAR is on the minus strand). VCF-style: chr1-154601850-A-C. GRCh37 (hg19) VCF-style: chr1-154574326-A-C.
Other names: c.-94T>G (NM_001025107.3, NM_001193495.2, NM_001365046.1 and 3 more transcripts); c.819T>G, p.Ser273Arg (NM_001365045.1); c.792T>G, p.Ser264Arg (NM_015840.4, NM_015841.4); short protein forms S273R, S264R.
Identifiers: ClinVar variation 2937526 (VCV002937526.3), dbSNP rs2526658853, ClinGen allele CA342599977.

ClinVar aggregate classification (germline): Uncertain significance (1 of 4 stars; one submission).

Conditions:
Symmetrical dyschromatosis of extremities (DSH). Also called: RETICULATE ACROPIGMENTATION OF DOHI; SYMMETRIC DYSCHROMATOSIS OF THE EXTREMITIES; Dyschromatosis symmetrica hereditaria; DYSCHROMATOSIS SYMMETRICA HEREDITARIA 1. Identifiers: Orphanet 41, MedGen C0406775, MONDO:0007483, OMIM 127400.
Aicardi-Goutieres syndrome 6 (AGS6). Identifiers: Orphanet 51, MedGen C3539013, MONDO:0014007, OMIM 615010.

Allele frequency attached by ClinVar (database versions not stated): gnomAD exomes below 0.00001.
gnomAD v4.1: 2 of 1,614,126 alleles (0.00012%); highest among the groups gnomAD compares: South Asian, 0.0011%; no homozygotes.

Submission:

Labcorp Genetics (formerly Invitae), Labcorp
Classification: Uncertain significance for Aicardi-Goutieres syndrome 6; Symmetrical dyschromatosis of extremities. Last evaluated: 2024-11-22. Review status: criteria provided, single submitter. Criteria: Invitae Variant Classification Sherloc (09022015). Collection method: clinical testing. Allele origin: germline.
Comment: This sequence change replaces serine, which is neutral and polar, with arginine, which is basic and polar, at codon 264 of the ADAR protein (p.Ser264Arg). This variant is not present in population databases (gnomAD no frequency). This variant has not been reported in the literature in individuals affected with ADAR-related conditions. ClinVar contains an entry for this variant (Variation ID: 2937526). An algorithm developed to predict the effect of missense changes on protein structure and function outputs the following: PolyPhen-2: "Not Available". The arginine amino acid residue is found in multiple mammalian species, which suggests that this missense change does not adversely affect protein function. In summary, the available evidence is currently insufficient to determine the role of this variant in disease. Therefore, it has been classified as a Variant of Uncertain Significance.